The following is an entry in ClinVar:

ClinVar aggregate classification (germline): Pathogenic. Review status: criteria provided, multiple submitters, no conflicts (2 of 4 stars). 2 submissions from 2 submitters: Pathogenic (2). Last evaluated 2024-10-10.

Conditions:
Intestinal hypomagnesemia 1. Also called: HYPOMAGNESEMIA, INTESTINAL, WITH SECONDARY HYPOCALCEMIA; HYPOMAGNESEMIC TETANY. Identifiers: Orphanet 30924, MedGen C1865974, MONDO:0011176, OMIM 602014.

Submissions (2):

Victorian Clinical Genetics Services, Murdoch Childrens Research Institute
Classification: Pathogenic for Intestinal hypomagnesemia 1. Last evaluated: 2024-10-10. Review status: criteria provided, single submitter. Criteria: ACMG Guidelines, 2015. Collection method: clinical testing. Allele origin: germline. Inheritance: Autosomal recessive inheritance.
Comment: A heterozygous splice site variant, NM_017662.4(TRPM6):c.1308+7T>G, has been identified in intron 11 of 38 of the TRPM6 gene. The nucleotide at this position has moderate conservation (Phylop UCSC). RNA studies for this variant demonstrated that it results in exon 11 skipping from the transcript. This aberrant splicing results in a frameshift and is predicted to undergo nonsense mediated decay (Splicing Diagnostics, Kid's Neuroscience Centre, The Children's Hospital at Westmead). Loss of protein function is a reported mechanism of pathogenicity for this gene. The variant is absent in the gnomAD population database. This variant has not been previously reported in clinical cases. Based on the information available at the time of curation, this variant has been classified as PATHOGENIC.

Kids Neuroscience Centre, Sydney Children's Hospitals Network
Classification: Pathogenic for Intestinal hypomagnesemia 1. Review status: criteria provided, single submitter. Criteria: Bournazos AM et al. (Genet Med 2021). Collection method: clinical testing. Allele origin: paternal, unknown. Inheritance: Autosomal recessive inheritance. Affected: yes and no. Observed: 2 heterozygotes.
Comment: The c.1308+7T>G variant results in exon 11 skipping (r.1208_1308del; p.(Gly403Alafs*2)) causing a frameshift, encoding one missense amino acid then a premature termination codon. These abnormally spliced TRPM6 transcripts are predicted to be targeted for nonsense-mediated decay. Any TRPM6 transcripts escaping nonsense-mediated decay encode a truncated TRPM6 protein lacking 1,619 amino acids from the C-terminus.

NM_017662.5(TRPM6):c.1308+7T>G

Gene: TRPM6 (transient receptor potential cation channel subfamily M member 6; minus strand). Cytogenetic location: 9q21.13.
Variant type: single nucleotide variant.
Coding change: c.1308+7T>G on transcript NM_017662.5 (MANE Select); 7 bases into the intron after coding-DNA position 1308, T replaced by G.
Molecular consequence: intron variant.
Genome position (GRCh38, 1-based): chr9:74,816,662, A>C on the plus strand (T>G on the coding strand, the complement: TRPM6 is on the minus strand). VCF-style: chr9-74816662-A-C. GRCh37 (hg19) VCF-style: chr9-77431578-A-C.
Other names: c.1293+7T>G (NM_001177310.2, NM_001177311.2).
Identifiers: ClinVar variation 1064591 (VCV001064591.4), dbSNP rs2117943840, ClinGen allele CA2499219943.